The following is an entry in ClinVar:

ClinVar aggregate classification (germline): Uncertain significance (1 of 4 stars; one submission).

Conditions:
Holoprosencephaly 3 (HPE3). Identifiers: Orphanet 2162, MedGen C1840529, MONDO:0007733, OMIM 142945.

Allele frequency attached by ClinVar (database versions not stated): TOPMed below 0.00001.

Submission:

Labcorp Genetics (formerly Invitae), Labcorp
Classification: Uncertain significance for Holoprosencephaly 3. Last evaluated: 2023-12-22. Review status: criteria provided, single submitter. Criteria: Invitae Variant Classification Sherloc (09022015). Collection method: clinical testing. Allele origin: germline.
Comment: This variant occurs in a non-coding region of the SHH gene. It does not change the encoded amino acid sequence of the SHH protein. This variant is not present in population databases (gnomAD no frequency). This variant has not been reported in the literature in individuals affected with SHH-related conditions. Experimental studies and prediction algorithms are not available or were not evaluated, and the functional significance of this variant is currently unknown. In summary, the available evidence is currently insufficient to determine the role of this variant in disease. Therefore, it has been classified as a Variant of Uncertain Significance.

NC_000007.14:g.156769332C>T

Genes: LMBR1 (limb development membrane protein 1; minus strand), SHH (sonic hedgehog signaling molecule; minus strand). Cytogenetic location: 7q36.3.
Variant type: single nucleotide variant.
Molecular consequence: intron variant (on NM_022458.4).
Genome position: GRCh38 VCF-style: chr7-156769332-C-T. GRCh37 (hg19) VCF-style: chr7-156562026-C-T.
Other names: c.361-5537G>A (NM_001363412.2); c.145-5537G>A (NM_001350954.2); c.424-5537G>A (NM_001363410.2, NM_022458.4, NM_001363409.2 and 1 more transcripts); c.-33-5537G>A (NM_001350958.2, NM_001350956.2, NM_001350955.2 and 1 more transcripts); c.55-5537G>A (NM_001350957.2, NM_001363411.2).
Identifiers: ClinVar variation 2798386 (VCV002798386.3), dbSNP rs1824740049, ClinGen allele CA1755247663.
Genomic context (GRCh38, chr7:156,769,332, plus strand): 5'-GCCACACCCATAATGCCTTCTGACTGGAGCTGGGGGCTTACTGCCCTGGTGTCATACCAA[C>T]ATTCCTTCGTCTTACAACAGGAGAGGAATGAACGACAGCCAAAGCACCATTCAGACTCAT-3'